The following is an entry in ClinVar:

ClinVar aggregate classification (germline): Pathogenic (1 of 4 stars; one submission).

Submission:

GeneDx
Classification: Pathogenic. Last evaluated: 2021-11-01. Review status: criteria provided, single submitter. Criteria: GeneDx Variant Classification Process June 2021. Collection method: clinical testing. Allele origin: germline. Affected: yes.
Comment: Not observed in large population cohorts (Lek et al., 2016); Missense variants in this gene are often considered pathogenic (Stenson et al., 2014); In silico analysis supports that this missense variant has a deleterious effect on protein structure/function; Has not been previously published as pathogenic or benign to our knowledge; This variant is associated with the following publications: (PMID: 24860126)

NM_178012.5(TUBB2B):c.972G>C (p.Lys324Asn)

Gene: TUBB2B (tubulin beta 2B class IIb; minus strand). Cytogenetic location: 6p25.2.
Variant type: single nucleotide variant.
Coding change: c.972G>C on transcript NM_178012.5 (MANE Select); coding-DNA position 972, G replaced by C.
Protein change: p.Lys324Asn; replaces lysine 324 with asparagine.
Molecular consequence: missense variant.
Genome position (GRCh38, 1-based): chr6:3,225,117, C>G on the plus strand (G>C on the coding strand, the complement: TUBB2B is on the minus strand). VCF-style: chr6-3225117-C-G. GRCh37 (hg19) VCF-style: chr6-3225351-C-G.
Other names: short protein forms K324N.
Identifiers: ClinVar variation 1190491 (VCV001190491.4), dbSNP rs2113818998, ClinGen allele CA362586244.